The following is an entry in ClinVar:

NM_002485.5(NBN):c.122T>G (p.Ile41Ser)

Gene: NBN (nibrin; minus strand). Cytogenetic location: 8q21.3.
Variant type: single nucleotide variant.
Coding change: c.122T>G on transcript NM_002485.5 (MANE Select); coding-DNA position 122, T replaced by G.
Protein change: p.Ile41Ser; replaces isoleucine 41 with serine.
Molecular consequence: missense variant. On other transcripts: 5 prime UTR variant (1).
Genome position (GRCh38, 1-based): chr8:89,982,771, A>C on the plus strand (T>G on the coding strand, the complement: NBN is on the minus strand). VCF-style: chr8-89982771-A-C. GRCh37 (hg19) VCF-style: chr8-90994999-A-C.
Other names: c.-175T>G (NM_001024688.3); short protein forms I41S.
Identifiers: ClinVar variation 485923 (VCV000485923.5), dbSNP rs1554569074, ClinGen allele CA371663098.
Genomic context (GRCh38, chr8:89,982,771, plus strand): 5'-TAGTAACATACCAGGTTGGTTACAGAAAAGTTAGCAGTTAACACAGCATGATTTCGGCTG[A>C]TCGACTGATCATTTTCAATCAGAATGGCACAGTTTTTCCTTCCAACAACGTACTCAACGC-3'
Protein context (NP_002476.2, residues 31-51): CAILIENDQS[Ile41Ser]SRNHAVLTAN

ClinVar aggregate classification (germline): Uncertain significance (1 of 4 stars; one submission).

Conditions:
Hereditary cancer-predisposing syndrome. Also called: Tumor predisposition; Hereditary Cancer Syndrome; Hereditary neoplastic syndrome; Neoplastic Syndromes, Hereditary. Identifiers: Orphanet 140162, MedGen C0027672, MeSH D009386, MONDO:0015356.

Submission:

Ambry Genetics
Classification: Uncertain significance for Hereditary cancer-predisposing syndrome. Last evaluated: 2017-03-30. Review status: criteria provided, single submitter. Criteria: Ambry Variant Classification Scheme 2023. Collection method: clinical testing. Allele origin: germline.
Comment: The p.I41S variant (also known as c.122T>G), located in coding exon 2 of the NBN gene, results from a T to G substitution at nucleotide position 122. The isoleucine at codon 41 is replaced by serine, an amino acid with dissimilar properties. This amino acid position is well conserved in available vertebrate species. In addition, the in silico prediction for this alteration is inconclusive. Since supporting evidence is limited at this time, the clinical significance of this alteration remains unclear.